The following is an entry in ClinVar:

ClinVar aggregate classification (germline): Conflicting classifications of pathogenicity. Review status: criteria provided, conflicting classifications (1 of 4 stars). 2 submissions from 2 submitters: Likely pathogenic (1); Uncertain significance (1). Last evaluated 2025-09-10.

Conditions:
Congenital stationary night blindness 1C. Also called: Night blindness, congenital stationary (complete), 1C, autosomal recessive. Identifiers: Orphanet 215, MedGen C2750747, MONDO:0013183, OMIM 613216.

Allele frequency attached by ClinVar (database versions not stated): gnomAD 0.00001; TOPMed 0.00001.
gnomAD v4.1: 25 of 1,614,070 alleles (0.0015%); highest among the groups gnomAD compares: Non-Finnish European, 0.0021%; no homozygotes.

Submissions (2):

Genomic Medicine Center of Excellence, King Faisal Specialist Hospital and Research Centre
Classification: Likely pathogenic for Congenital stationary night blindness 1C. Last evaluated: 2025-09-10. Review status: criteria provided, single submitter. Criteria: ACMG Guidelines, 2015. Collection method: clinical testing. Allele origin: germline.

Labcorp Genetics (formerly Invitae), Labcorp
Classification: Uncertain significance. Last evaluated: 2019-08-06. Review status: criteria provided, single submitter. Criteria: Invitae Variant Classification Sherloc (09022015). Collection method: clinical testing. Allele origin: germline.
Comment: In summary, the available evidence is currently insufficient to determine the role of this variant in disease. Therefore, it has been classified as a Variant of Uncertain Significance. Algorithms developed to predict the effect of missense changes on protein structure and function are either unavailable or do not agree on the potential impact of this missense change (SIFT: "Deleterious"; PolyPhen-2: "Probably Damaging"; Align-GVGD: "Class C15"). This variant has not been reported in the literature in individuals with TRPM1-related conditions. This variant is present in population databases (rs763506869, ExAC 0.002%). This sequence change replaces alanine with glutamic acid at codon 292 of the TRPM1 protein (p.Ala292Glu). The alanine residue is highly conserved and there is a moderate physicochemical difference between alanine and glutamic acid.

NM_001252024.2(TRPM1):c.941C>A (p.Ala314Glu)

Gene: TRPM1 (transient receptor potential cation channel subfamily M member 1; minus strand). Cytogenetic location: 15q13.3.
Variant type: single nucleotide variant.
Coding change: c.941C>A on transcript NM_001252024.2 (MANE Select); coding-DNA position 941, C replaced by A.
Protein change: p.Ala314Glu; replaces alanine 314 with glutamic acid.
Molecular consequence: missense variant.
Genome position (GRCh38, 1-based): chr15:31,063,142, G>T on the plus strand (C>A on the coding strand, the complement: TRPM1 is on the minus strand). VCF-style: chr15-31063142-G-T. GRCh37 (hg19) VCF-style: chr15-31355345-G-T.
Other names: c.992C>A, p.Ala331Glu (NM_001252020.2); c.875C>A, p.Ala292Glu (NM_002420.6); c.992C>A (NM_001252020.1); short protein forms A292E, A314E, A331E.
Identifiers: ClinVar variation 949387 (VCV000949387.10), dbSNP rs763506869, ClinGen allele CA7452764.